The following is an entry in ClinVar:

ClinVar aggregate classification (germline): Uncertain significance (1 of 4 stars; one submission).

Conditions:
Hereditary spastic paraplegia 39 (SPG39). Also called: Spastic Paraplegia Type 39 (SPG39); SPASTIC PARAPLEGIA 39, AUTOSOMAL RECESSIVE. Identifiers: Orphanet 139480, MedGen C2677586, MONDO:0012787, OMIM 612020.

gnomAD v4.1: 2 of 1,216,912 alleles (0.00016%); highest among the groups gnomAD compares: Non-Finnish European, 0.00022%; no homozygotes.

Submission:

Labcorp Genetics (formerly Invitae), Labcorp
Classification: Uncertain significance for Hereditary spastic paraplegia 39. Last evaluated: 2022-08-07. Review status: criteria provided, single submitter. Criteria: Invitae Variant Classification Sherloc (09022015). Collection method: clinical testing. Allele origin: germline.
Comment: This sequence change falls in intron 20 of the PNPLA6 gene. It does not directly change the encoded amino acid sequence of the PNPLA6 protein. It affects a nucleotide within the consensus splice site. This variant is not present in population databases (gnomAD no frequency). This variant has not been reported in the literature in individuals affected with PNPLA6-related conditions. Variants that disrupt the consensus splice site are a relatively common cause of aberrant splicing (PMID: 17576681, 9536098). Algorithms developed to predict the effect of sequence changes on RNA splicing suggest that this variant may disrupt the consensus splice site. In summary, the available evidence is currently insufficient to determine the role of this variant in disease. Therefore, it has been classified as a Variant of Uncertain Significance.

Literature cited by the submitters: PubMed 17576681; PubMed 9536098.

NM_001166114.2(PNPLA6):c.2184+4C>A

Gene: PNPLA6 (patatin like domain 6, lysophospholipase; plus strand). Cytogenetic location: 19p13.2.
Variant type: single nucleotide variant.
Coding change: c.2184+4C>A on transcript NM_001166114.2 (MANE Select); 4 bases into the intron after coding-DNA position 2184, C replaced by A.
Molecular consequence: intron variant.
Genome position (GRCh38, 1-based): chr19:7,551,111, C>A. VCF-style: chr19-7551111-C-A. GRCh37 (hg19) VCF-style: chr19-7615997-C-A.
Other names: c.2067+4C>A (NM_006702.5, NM_001166113.1); c.1989+4C>A (NM_001166112.2); c.2211+4C>A (NM_001166111.2).
Identifiers: ClinVar variation 2057693 (VCV002057693.1), dbSNP rs569845262, ClinGen allele CA2580097083.